The following is an entry in ClinVar:

ClinVar aggregate classification (germline): Conflicting classifications of pathogenicity. Review status: criteria provided, conflicting classifications (1 of 4 stars). 4 submissions from 4 submitters: Uncertain significance (2); Likely benign (1). 1 of the submissions does not count toward it. Last evaluated 2025-04-09.

Conditions:
Cardiovascular phenotype. Identifiers: MedGen CN230736.
TECRL-related disorder. Also called: TECRL-related condition.

gnomAD v4.1: 19 of 1,608,504 alleles (0.0012%); highest among the groups gnomAD compares: East Asian, 0.0022%; no homozygotes.

Submissions (4):

Molecular Diagnostic Laboratory for Inherited Cardiovascular Disease, Montreal Heart Institute
Classification: Likely benign. Last evaluated: 2025-04-09. Review status: criteria provided, single submitter. Criteria: ACMG Guidelines, 2015. Collection method: clinical testing. Allele origin: germline. Affected: no.

Blueprint Genetics
Classification: Uncertain significance. Last evaluated: 2024-03-13. Review status: criteria provided, single submitter. Criteria: ACMG Guidelines, 2015. Collection method: clinical testing. Allele origin: germline.

Ambry Genetics
Classification: Uncertain significance for Cardiovascular phenotype. Last evaluated: 2023-10-02. Review status: criteria provided, single submitter. Criteria: Ambry Variant Classification Scheme 2023. Collection method: clinical testing. Allele origin: germline.
Comment: The c.287-4A>G intronic variant results from an A to G substitution 4 nucleotides upstream from coding exon 3 in the TECRL gene. This nucleotide position is highly conserved in available vertebrate species. In silico splice site analysis predicts that this alteration will weaken the native splice acceptor site. Since supporting evidence is limited at this time, the clinical significance of this alteration remains unclear.

PreventionGenetics, part of Exact Sciences
Classification: Uncertain significance for TECRL-related condition. Last evaluated: 2024-06-29. Review status: no assertion criteria provided. Collection method: clinical testing. Allele origin: germline. Not counted in ClinVar's aggregate classification.
Comment: The TECRL c.287-4A>G variant is predicted to interfere with splicing. To our knowledge, this variant has not been reported in the literature. This variant is reported in 0.0018% of alleles in individuals of European (Non-Finnish) descent in gnomAD. At this time, the clinical significance of this variant is uncertain due to the absence of conclusive functional and genetic evidence.

NM_001010874.5(TECRL):c.287-4A>G

Gene: TECRL (trans-2,3-enoyl-CoA reductase like; minus strand). Cytogenetic location: 4q13.1.
Variant type: single nucleotide variant.
Coding change: c.287-4A>G on transcript NM_001010874.5 (MANE Select); 4 bases into the intron before coding-DNA position 287, A replaced by G.
Molecular consequence: intron variant.
Genome position (GRCh38, 1-based): chr4:64,328,560, T>C on the plus strand (A>G on the coding strand, the complement: TECRL is on the minus strand). VCF-style: chr4-64328560-T-C. GRCh37 (hg19) VCF-style: chr4-65194278-T-C.
Other names: c.287-4A>G (NM_001363796.1).
Identifiers: ClinVar variation 1797078 (VCV001797078.5), dbSNP rs768575047, ClinGen allele CA2935610.